The following is an entry in ClinVar:

ClinVar aggregate classification (germline): Uncertain significance (1 of 4 stars; one submission).

Conditions:
X-linked Emery-Dreifuss muscular dystrophy. Also called: Muscular dystrophy, tardive Emery-Dreifuss type, with contractures. Identifiers: Orphanet 261, Orphanet 98863, MedGen C0751337, MONDO:0010680.

Submission:

Labcorp Genetics (formerly Invitae), Labcorp
Classification: Uncertain significance for X-linked Emery-Dreifuss muscular dystrophy. Last evaluated: 2022-03-18. Review status: criteria provided, single submitter. Criteria: Invitae Variant Classification Sherloc (09022015). Collection method: clinical testing. Allele origin: germline.
Comment: This sequence change replaces arginine, which is basic and polar, with glycine, which is neutral and non-polar, at codon 211 of the EMD protein (p.Arg211Gly). This variant is not present in population databases (gnomAD no frequency). This variant has not been reported in the literature in individuals affected with EMD-related conditions. Algorithms developed to predict the effect of missense changes on protein structure and function (SIFT, PolyPhen-2, Align-GVGD) all suggest that this variant is likely to be tolerated. In summary, the available evidence is currently insufficient to determine the role of this variant in disease. Therefore, it has been classified as a Variant of Uncertain Significance.

NM_000117.3(EMD):c.631C>G (p.Arg211Gly)

Gene: EMD (emerin; plus strand). Cytogenetic location: Xq28.
Variant type: single nucleotide variant.
Coding change: c.631C>G on transcript NM_000117.3 (MANE Select); coding-DNA position 631, C replaced by G.
Protein change: p.Arg211Gly; replaces arginine 211 with glycine.
Molecular consequence: missense variant.
Genome position (GRCh38, 1-based): chrX:154,381,063, C>G. VCF-style: chrX-154381063-C-G. GRCh37 (hg19) VCF-style: chrX-153609423-C-G.
Other names: short protein forms R211G.
Identifiers: ClinVar variation 1491927 (VCV001491927.8), dbSNP rs782193940, ClinGen allele CA415259057.